The following is an entry in ClinVar:

ClinVar aggregate classification (germline): Pathogenic (1 of 4 stars; one submission).

Submission:

GeneDx
Classification: Pathogenic. Last evaluated: 2013-10-14. Review status: criteria provided, single submitter. Criteria: GeneDx Variant Classification (06012015). Collection method: clinical testing. Allele origin: germline. Affected: yes.
Comment: The c.305dupT mutation in the SCN1A gene has not been reported previously, to our knowledge. This mutation causes a frameshift starting with codon Serine 103, changes this amino acid to a Glutamine residue and creates a premature Stop codon at position 16 of the new reading frame, denoted p.Ser103GlnfsX16 (S103QfsX16). This mutation is predicted to cause loss of normal protein function either through protein truncation or nonsense-mediated mRNA decay. Although this mutation has not been previously reported to our knowledge, its presence is consistent with a diagnosis of an SCN1A-related disorder. This variant has been observed de novo with confirmed parentage. The variant is found in EPILEPSY panel(s).

NM_001165963.4(SCN1A):c.305dup (p.Ser103fs)

Gene: SCN1A (sodium voltage-gated channel alpha subunit 1; minus strand). Cytogenetic location: 2q24.3.
Variant type: Duplication.
Coding change: c.305dup on transcript NM_001165963.4 (MANE Select); coding-DNA position 305, one base duplicated (T; older notation c.305dupT).
Protein change: p.Ser103fs; shifts the reading frame from serine 103.
Molecular consequence: frameshift variant. On other transcripts: 5 prime UTR variant (1), non-coding transcript variant (1).
Genome position (GRCh38, 1-based): chr2:166,058,648, A duplicated on the plus strand (T on the coding strand, the reverse complement: SCN1A is on the minus strand); the first of 2 consecutive A bases (chr2:166,058,648-166,058,649); duplicating either gives the same sequence. VCF-style (leftmost placement, unchanged base first): chr2-166058647-G-GA. GRCh37 (hg19) VCF-style: chr2-166915157-G-GA.
Other names: c.305dup, p.Ser103fs (NM_001165964.3, NM_001202435.3, NM_001353948.2 and 10 more transcripts); c.-2121dup (NM_001353961.2); short protein forms S103fs.
Identifiers: ClinVar variation 206889 (VCV000206889.1), dbSNP rs796053051, ClinGen allele CA317695.